The following is an entry in ClinVar:

NM_006493.4(CLN5):c.572T>C (p.Met191Thr)

Gene: CLN5 (CLN5 lysosomal BMP synthase; plus strand). Cytogenetic location: 13q22.3.
Variant type: single nucleotide variant.
Coding change: c.572T>C on transcript NM_006493.4 (MANE Select); coding-DNA position 572, T replaced by C.
Protein change: p.Met191Thr; replaces methionine 191 with threonine.
Molecular consequence: missense variant. On other transcripts: 3 prime UTR variant (1).
Genome position (GRCh38, 1-based): chr13:77,000,464, T>C. VCF-style: chr13-77000464-T-C. GRCh37 (hg19) VCF-style: chr13-77574599-T-C.
Other names: c.*21T>C (NM_001366624.2); short protein forms M191T.
Identifiers: ClinVar variation 883229 (VCV000883229.17), dbSNP rs771119692, ClinGen allele CA7007232.
Genomic context (GRCh38, chr13:77,000,464, plus strand): 5'-TTAACATGATTAGCTTTGTTCACTAGGTGACTTTGTTTTGTTTTTTTAAACTAGGAAACA[T>C]GTTCAACCAAATGGCAAAGTGGGTGAAACAGGACAATGAAACAGGAATTTATTATGAGAC-3'
Protein context (NP_006484.2, residues 181-201): LVQVATISGN[Met191Thr]FNQMAKWVKQ

ClinVar aggregate classification (germline): Uncertain significance. Review status: criteria provided, multiple submitters, no conflicts (2 of 4 stars). 4 submissions from 4 submitters: Uncertain significance (3). 1 of the submissions does not count toward it. Last evaluated 2024-10-28.

Conditions:
Neuronal ceroid lipofuscinosis. Also called: Neuronal Ceroid Lipofuscinoses. Identifiers: Orphanet 216, Orphanet 79263, MedGen C0027877, MONDO:0016295. Disease mechanism: loss of function.
Neuronal ceroid lipofuscinosis 5 (CLN5). Also called: Neuronal ceroid lipofuscinosis Finnish variant; NEURONAL CEROID LIPOFUSCINOSIS, LATE INFANTILE, FINNISH VARIANT; CLN5-Related Neuronal Ceroid-Lipofuscinosis; CEROID LIPOFUSCINOSIS, NEURONAL, 5, VARIABLE AGE AT ONSET. Identifiers: Orphanet 168491, Orphanet 228360, MedGen C1850442, MONDO:0009745, OMIM 256731.

Allele frequency attached by ClinVar (database versions not stated): gnomAD exomes 0.00002 and 0.00003; ExAC 0.00004.

Submissions (4):

Labcorp Genetics (formerly Invitae), Labcorp
Classification: Uncertain significance for Neuronal ceroid lipofuscinosis. Last evaluated: 2024-10-28. Review status: criteria provided, single submitter. Criteria: Invitae Variant Classification Sherloc (09022015). Collection method: clinical testing. Allele origin: germline.
Comment: This sequence change replaces methionine, which is neutral and non-polar, with threonine, which is neutral and polar, at codon 240 of the CLN5 protein (p.Met240Thr). This variant is present in population databases (rs771119692, gnomAD 0.006%). This variant has not been reported in the literature in individuals affected with CLN5-related conditions. ClinVar contains an entry for this variant (Variation ID: 883229). An algorithm developed to predict the effect of missense changes on protein structure and function outputs the following: PolyPhen-2: "Benign". The threonine amino acid residue is found in multiple mammalian species, which suggests that this missense change does not adversely affect protein function. In summary, the available evidence is currently insufficient to determine the role of this variant in disease. Therefore, it has been classified as a Variant of Uncertain Significance.

Genome-Nilou Lab
Classification: Uncertain significance for Neuronal ceroid lipofuscinosis 5. Last evaluated: 2021-09-05. Review status: criteria provided, single submitter. Criteria: ACMG Guidelines, 2015. Collection method: clinical testing. Allele origin: germline. Affected: no.

Illumina Laboratory Services, Illumina
Classification: Uncertain significance for Neuronal ceroid lipofuscinosis 5. Last evaluated: 2018-01-13. Review status: criteria provided, single submitter. Criteria: ICSL Variant Classification Criteria 13 December 2019. Collection method: clinical testing. Allele origin: germline.

Natera, Inc.
Classification: Uncertain significance for Neuronal ceroid lipofuscinosis. Last evaluated: 2020-07-28. Review status: no assertion criteria provided. Collection method: clinical testing. Allele origin: germline. Not counted in ClinVar's aggregate classification.